The following is an entry in ClinVar:

NM_138387.4(G6PC3):c.853G>C (p.Ala285Pro)

Gene: G6PC3 (glucose-6-phosphatase catalytic subunit 3; plus strand). Cytogenetic location: 17q21.31.
Variant type: single nucleotide variant.
Coding change: c.853G>C on transcript NM_138387.4 (MANE Select); coding-DNA position 853, G replaced by C.
Protein change: p.Ala285Pro; replaces alanine 285 with proline.
Molecular consequence: missense variant. On other transcripts: 3 prime UTR variant (1).
Genome position (GRCh38, 1-based): chr17:44,075,855, G>C. VCF-style: chr17-44075855-G-C. GRCh37 (hg19) VCF-style: chr17-42153223-G-C.
Other names: c.*146G>C (NM_001319945.2); c.508G>C, p.Ala170Pro (NM_001384165.1, NM_001384166.1, NM_001384167.1 and 1 more transcripts); short protein forms A285P, A170P.
Identifiers: ClinVar variation 4620482 (VCV004620482.1).

ClinVar aggregate classification (germline): Uncertain significance (1 of 4 stars; one submission).

Conditions:
Inborn genetic diseases. Identifiers: MedGen C0950123, MeSH D030342.

Submission:

Ambry Genetics
Classification: Uncertain significance for Inborn genetic diseases. Last evaluated: 2025-09-19. Review status: criteria provided, single submitter. Criteria: Ambry Variant Classification Scheme 2023. Collection method: clinical testing. Allele origin: germline.
Comment: The p.A285P variant (also known as c.853G>C), located in coding exon 6 of the G6PC3 gene, results from a G to C substitution at nucleotide position 853. The alanine at codon 285 is replaced by proline, an amino acid with highly similar properties. This amino acid position is conserved. In addition, the in silico prediction for this alteration is inconclusive. Based on the available evidence, the clinical significance of this variant remains unclear.